The following is an entry in ClinVar:

ClinVar aggregate classification (germline): Likely pathogenic. Review status: criteria provided, single submitter (1 of 4 stars). 2 submissions from 2 submitters: Likely pathogenic (1). 1 of the submissions does not count toward it. Last evaluated 2026-07-13.

Conditions:
Hereditary antithrombin deficiency (AT3D). Also called: Reduced antithrombin III activity; Antithrombin III deficiency; Thrombophilia due to antithrombin III deficiency; Antithrombin deficiency. Identifiers: Orphanet 82, MedGen C0272375, MONDO:0013144, OMIM 613118, HP:0001976.

Submissions (2):

North East and Yorkshire NHS Genomic Laboratory Hub
Classification: Likely pathogenic for Hereditary antithrombin deficiency. Last evaluated: 2026-07-13. Review status: criteria provided, single submitter. Criteria: ACMG Guidelines, 2015. Collection method: clinical testing. Allele origin: germline. Inheritance: Unknown mechanism. Affected: yes.
Comment: 'PP3;PS3_SUP;PS4_N/A;PM2;PP4_MOD'

OMIM
Classification: Pathogenic for THROMBOPHILIA DUE TO ANTITHROMBIN III DEFICIENCY. Last evaluated: 1998-12-15. Review status: no assertion criteria provided. Collection method: literature only. Allele origin: germline. Not counted in ClinVar's aggregate classification.

Literature cited by the submitters: PubMed 9845533 (cited by OMIM).

NM_000488.4(SERPINC1):c.68T>C (p.Leu23Pro)

Gene: SERPINC1 (serpin family C member 1; minus strand). Cytogenetic location: 1q25.1.
Variant type: single nucleotide variant.
Coding change: c.68T>C on transcript NM_000488.4 (MANE Select); coding-DNA position 68, T replaced by C.
Protein change: p.Leu23Pro; replaces leucine 23 with proline.
Molecular consequence: missense variant. On other transcripts: 5 prime UTR variant (1).
Genome position (GRCh38, 1-based): chr1:173,914,893, A>G on the plus strand (T>C on the coding strand, the complement: SERPINC1 is on the minus strand). VCF-style: chr1-173914893-A-G. GRCh37 (hg19) VCF-style: chr1-173884031-A-G.
Other names: c.-77T>C (NM_001365052.2); c.68T>C, p.Leu23Pro (NM_001386302.1, NM_001386304.1, NM_001386305.1 and 1 more transcripts); c.149T>C, p.Leu50Pro (NM_001386303.1); short protein forms L50P.
Identifiers: ClinVar variation 18040 (VCV000018040.3), dbSNP rs387906575, ClinGen allele CA210793.